The following is an entry in ClinVar:

ClinVar aggregate classification (germline): Conflicting classifications of pathogenicity. Review status: criteria provided, conflicting classifications (1 of 4 stars). 9 submissions from 9 submitters: Uncertain significance (1); Likely benign (7). 1 of the submissions does not count toward it. Last evaluated 2026-01-12.

Conditions:
SMAD3-related disorder. Also called: SMAD3-related condition.
Familial thoracic aortic aneurysm and aortic dissection (TAAD). Also called: Thoracic aortic aneurysms and dissections. Identifiers: Orphanet 91387, MedGen C4707243, MONDO:0019625.
Aneurysm-osteoarthritis syndrome. Also called: ANEURYSMS-OSTEOARTHRITIS SYNDROME; Loeys-Dietz syndrome, type 1C; LOEYS-DIETZ SYNDROME WITH OSTEOARTHRITIS; SMAD3-Related Loeys-Dietz Syndrome. Identifiers: Orphanet 284984, MedGen C3151087, MONDO:0013426, OMIM 613795.

Allele frequency attached by ClinVar (database versions not stated): ExAC 0.00003; gnomAD exomes 0.00004 and 0.00005; gnomAD 0.00009 and 0.00010; TOPMed 0.00009.
gnomAD v4.1: 76 of 1,614,038 alleles (0.0047%); highest among the groups gnomAD compares: Admixed American, 0.05%; no homozygotes.

Submissions (9):

Labcorp Genetics (formerly Invitae), Labcorp
Classification: Likely benign for Familial thoracic aortic aneurysm and aortic dissection. Last evaluated: 2026-01-12. Review status: criteria provided, single submitter. Criteria: Invitae Variant Classification Sherloc (09022015). Collection method: clinical testing. Allele origin: germline.

CeGaT Center for Human Genetics Tuebingen
Classification: Likely benign. Last evaluated: 2025-12-01. Review status: criteria provided, single submitter. Criteria: CeGaT Center For Human Genetics Tuebingen Variant Classification Criteria Version 2. Collection method: clinical testing. Allele origin: germline. Affected: yes. Observed: 2 variant alleles.
Comment: SMAD3: BP4, BP7

Blueprint Genetics
Classification: Likely benign. Last evaluated: 2024-11-21. Review status: criteria provided, single submitter. Criteria: ACMG Guidelines, 2015. Collection method: clinical testing. Allele origin: germline.

All of Us Research Program, National Institutes of Health
Classification: Likely benign for Aneurysm-osteoarthritis syndrome. Last evaluated: 2023-12-15. Review status: criteria provided, single submitter. Criteria: ACMG Guidelines, 2015. Collection method: clinical testing. Allele origin: germline. Inheritance: Autosomal dominant inheritance. Observed: 18 variant alleles, 18 heterozygotes.
Comment: This study involves interpretation of variants in research participants for the purpose of population health screening. Participant phenotype was not available at the time of variant classification. Additional details can be found in publication PMID: 35346344, PMCID: PMC8962531

Ambry Genetics
Classification: Likely benign for Familial thoracic aortic aneurysm and aortic dissection. Last evaluated: 2023-06-29. Review status: criteria provided, single submitter. Criteria: Ambry Variant Classification Scheme 2023. Collection method: clinical testing. Allele origin: germline.

GeneDx
Classification: Likely benign. Last evaluated: 2020-10-15. Review status: criteria provided, single submitter. Criteria: GeneDx Variant Classification Process June 2021. Collection method: clinical testing. Allele origin: germline. Affected: yes.

Color Diagnostics, LLC DBA Color Health
Classification: Likely benign for Familial thoracic aortic aneurysm and aortic dissection. Last evaluated: 2019-06-18. Review status: criteria provided, single submitter. Criteria: ACMG Guidelines, 2015. Collection method: clinical testing. Allele origin: germline.

Eurofins Ntd Llc (ga)
Classification: Uncertain significance. Last evaluated: 2015-10-08. Review status: criteria provided, single submitter. Criteria: EGL Classification Definitions 2015. Collection method: clinical testing. Allele origin: germline. Observed: 1 variant allele, 1 heterozygote.

PreventionGenetics, part of Exact Sciences
Classification: Likely benign for SMAD3-related condition. Last evaluated: 2020-01-08. Review status: no assertion criteria provided. Collection method: clinical testing. Allele origin: germline. Not counted in ClinVar's aggregate classification.
Comment: This variant is classified as likely benign based on ACMG/AMP sequence variant interpretation guidelines (Richards et al. 2015 PMID: 25741868, with internal and published modifications).

NM_005902.4(SMAD3):c.1092C>T (p.Tyr364=)

Gene: SMAD3 (SMAD family member 3; plus strand). Cytogenetic location: 15q22.33.
Variant type: single nucleotide variant.
Coding change: c.1092C>T on transcript NM_005902.4 (MANE Select); coding-DNA position 1092, C replaced by T.
Protein change: p.Tyr364=; no amino-acid change (tyrosine 364 retained).
Molecular consequence: synonymous variant.
Genome position (GRCh38, 1-based): chr15:67,187,447, C>T. VCF-style: chr15-67187447-C-T. GRCh37 (hg19) VCF-style: chr15-67479785-C-T.
Other names: c.777C>T, p.Tyr259= (NM_001145102.2); c.960C>T, p.Tyr320= (NM_001145103.2); c.507C>T, p.Tyr169= (NM_001145104.2).
Identifiers: ClinVar variation 283554 (VCV000283554.39), dbSNP rs753875974, ClinGen allele CA061588.